The following is an entry in ClinVar:

NM_001042492.3(NF1):c.270G>C (p.Leu90=)

Gene: NF1 (neurofibromin 1; plus strand). Cytogenetic location: 17q11.2.
Variant type: single nucleotide variant.
Coding change: c.270G>C on transcript NM_001042492.3 (MANE Select); coding-DNA position 270, G replaced by C.
Protein change: p.Leu90=; no amino-acid change (leucine 90 retained).
Molecular consequence: synonymous variant.
Genome position (GRCh38, 1-based): chr17:31,159,075, G>C. VCF-style: chr17-31159075-G-C. GRCh37 (hg19) VCF-style: chr17-29486093-G-C.
Other names: c.270G>C, p.Leu90= (NM_000267.4, NM_001128147.3).
Identifiers: ClinVar variation 1320405 (VCV001320405.6), dbSNP rs2065717955, ClinGen allele CA499232886.

ClinVar aggregate classification (germline): Conflicting classifications of pathogenicity. Review status: criteria provided, conflicting classifications (1 of 4 stars). 2 submissions from 2 submitters: Uncertain significance (1); Likely benign (1). Last evaluated 2025-01-16.

Conditions:
Neurofibromatosis, type 1 (NF1). Also called: NEUROFIBROMATOSIS, TYPE I, SOMATIC; Peripheral type neurofibromatosis; Neurofibromatosis, type I; VON RECKLINGHAUSEN DISEASE. Identifiers: Orphanet 636, MedGen C0027831, MONDO:0018975, OMIM 162200. Disease mechanism: loss of function.

Submissions (2):

GeneDx
Classification: Uncertain significance. Last evaluated: 2025-01-16. Review status: criteria provided, single submitter. Criteria: GeneDx Variant Classification Process June 2021. Collection method: clinical testing. Allele origin: germline. Affected: yes.
Comment: Not observed at significant frequency in large population cohorts (gnomAD); In silico analysis indicates that this variant does not alter splicing; Has not been previously published as pathogenic or benign to our knowledge

Labcorp Genetics (formerly Invitae), Labcorp
Classification: Likely benign for Neurofibromatosis, type 1. Last evaluated: 2023-08-28. Review status: criteria provided, single submitter. Criteria: Invitae Variant Classification Sherloc (09022015). Collection method: clinical testing. Allele origin: germline.